The following is an entry in ClinVar:

ClinVar aggregate classification (germline): Uncertain significance (1 of 4 stars; one submission).

Conditions:
Hereditary spastic paraplegia 47. Also called: Spastic paraplegia 47, autosomal recessive; CEREBRAL PALSY, SPASTIC QUADRIPLEGIC, 5; adaptor protein 4 (AP-4) deficiency syndrome. Identifiers: Orphanet 280763, MedGen C3279738, MONDO:0013551, OMIM 614066.

Allele frequency attached by ClinVar (database versions not stated): ExAC 0.00003; gnomAD exomes 0.00001; TOPMed 0.00001; 1000 Genomes Project 0.00020; gnomAD 0.00003; ESP Exome Variant Server 0.00008; 1000 Genomes Project 30x 0.00016.
gnomAD v4.1: 16 of 1,614,202 alleles (0.00099%); highest among the groups gnomAD compares: Middle Eastern, 0.016%; no homozygotes.

Submission:

Labcorp Genetics (formerly Invitae), Labcorp
Classification: Uncertain significance for Hereditary spastic paraplegia 47. Last evaluated: 2024-05-15. Review status: criteria provided, single submitter. Criteria: Invitae Variant Classification Sherloc (09022015). Collection method: clinical testing. Allele origin: germline.
Comment: This sequence change replaces proline, which is neutral and non-polar, with histidine, which is basic and polar, at codon 488 of the AP4B1 protein (p.Pro488His). This variant is present in population databases (rs149272848, gnomAD 0.004%). This variant has not been reported in the literature in individuals affected with AP4B1-related conditions. ClinVar contains an entry for this variant (Variation ID: 2047934). Advanced modeling of protein sequence and biophysical properties (such as structural, functional, and spatial information, amino acid conservation, physicochemical variation, residue mobility, and thermodynamic stability) performed at Invitae indicates that this missense variant is expected to disrupt AP4B1 protein function with a positive predictive value of 80%. In summary, the available evidence is currently insufficient to determine the role of this variant in disease. Therefore, it has been classified as a Variant of Uncertain Significance.

NM_001253852.3(AP4B1):c.1463C>A (p.Pro488His)

Genes: AP4B1 (adaptor related protein complex 4 subunit beta 1; minus strand), AP4B1-AS1 (AP4B1 antisense RNA 1; plus strand). Cytogenetic location: 1p13.2.
Variant type: single nucleotide variant.
Coding change: c.1463C>A on transcript NM_001253852.3 (MANE Select); coding-DNA position 1463, C replaced by A.
Protein change: p.Pro488His; replaces proline 488 with histidine.
Molecular consequence: missense variant.
Genome position (GRCh38, 1-based): chr1:113,896,305, G>T on the plus strand (C>A on the coding strand, the complement: AP4B1 is on the minus strand). VCF-style: chr1-113896305-G-T. GRCh37 (hg19) VCF-style: chr1-114438927-G-T.
Other names: c.1166C>A, p.Pro389His (NM_001253853.3); c.959C>A, p.Pro320His (NM_001308312.2); c.1463C>A, p.Pro488His (NM_006594.5); short protein forms P320H, P389H, P488H.
Identifiers: ClinVar variation 2047934 (VCV002047934.4), dbSNP rs149272848, ClinGen allele CA1015788.